The following is an entry in ClinVar:

NM_002109.6(HARS1):c.500G>A (p.Arg167Gln)

Gene: HARS1 (histidyl-tRNA synthetase 1; minus strand). Cytogenetic location: 5q31.3.
Variant type: single nucleotide variant.
Coding change: c.500G>A on transcript NM_002109.6 (MANE Select); coding-DNA position 500, G replaced by A.
Protein change: p.Arg167Gln; replaces arginine 167 with glutamine.
Molecular consequence: missense variant. On other transcripts: intron variant (4).
Genome position (GRCh38, 1-based): chr5:140,679,024, C>T on the plus strand (G>A on the coding strand, the complement: HARS1 is on the minus strand). VCF-style: chr5-140679024-C-T. GRCh37 (hg19) VCF-style: chr5-140058609-C-T.
Other names: c.380G>A, p.Arg127Gln (NM_001258040.3); c.413G>A, p.Arg138Gln (NM_001289094.2); c.181-1009G>A (NM_001289093.2); c.342+38G>A (NM_001258042.3); c.301-1009G>A (NM_001289092.2); c.462+38G>A (NM_001258041.3); short protein forms R127Q, R138Q, R167Q.
Identifiers: ClinVar variation 1800247 (VCV001800247.5), dbSNP rs766756604, ClinGen allele CA3444097.

ClinVar aggregate classification (germline): Uncertain significance. Review status: criteria provided, multiple submitters, no conflicts (2 of 4 stars). 3 submissions from 3 submitters: Uncertain significance (3). Last evaluated 2025-11-28.

Conditions:
Usher syndrome type 3B. Also called: USHER SYNDROME, TYPE IIIB. Identifiers: MedGen C3281066, MONDO:0013788, OMIM 614504.

Allele frequency attached by ClinVar (database versions not stated): gnomAD 0.00001; gnomAD exomes 0.00001; ExAC 0.00002.

Submissions (3):

Labcorp Genetics (formerly Invitae), Labcorp
Classification: Uncertain significance for Usher syndrome type 3B. Last evaluated: 2025-11-28. Review status: criteria provided, single submitter. Criteria: Invitae Variant Classification Sherloc (09022015). Collection method: clinical testing. Allele origin: germline.
Comment: This sequence change replaces arginine, which is basic and polar, with glutamine, which is neutral and polar, at codon 167 of the HARS protein (p.Arg167Gln). This variant is present in population databases (rs766756604, gnomAD 0.01%). This variant has not been reported in the literature in individuals affected with HARS-related conditions. ClinVar contains an entry for this variant (Variation ID: 1800247). Invitae Evidence Modeling of protein sequence and biophysical properties (such as structural, functional, and spatial information, amino acid conservation, physicochemical variation, residue mobility, and thermodynamic stability) indicates that this missense variant is expected to disrupt HARS protein function with a positive predictive value of 80%. In summary, the available evidence is currently insufficient to determine the role of this variant in disease. Therefore, it has been classified as a Variant of Uncertain Significance.

Ambry Genetics
Classification: Uncertain significance. Last evaluated: 2020-08-18. Review status: criteria provided, single submitter. Criteria: Ambry Variant Classification Scheme 2023. Collection method: clinical testing. Allele origin: germline.
Comment: The p.R167Q variant (also known as c.500G>A), located in coding exon 5 of the HARS gene, results from a G to A substitution at nucleotide position 500. The arginine at codon 167 is replaced by glutamine, an amino acid with highly similar properties. This amino acid position is highly conserved in available vertebrate species. In addition, this alteration is predicted to be deleterious by in silico analysis. Since supporting evidence is limited at this time, the clinical significance of this alteration remains unclear.

Blueprint Genetics
Classification: Uncertain significance. Last evaluated: 2019-08-19. Review status: criteria provided, single submitter. Criteria: ACMG Guidelines, 2015. Collection method: clinical testing. Allele origin: germline.